The following is an entry in ClinVar:

ClinVar aggregate classification (germline): Uncertain significance (1 of 4 stars; one submission).

Conditions:
Fanconi anemia (FA). Also called: Fanconi's anemia. Identifiers: Orphanet 84, MedGen C0015625, MeSH D005199, MONDO:0019391.

gnomAD v4.1: 4 of 1,613,570 alleles (0.00025%); highest among the groups gnomAD compares: East Asian, 0.0067%; no homozygotes.

Submission:

Labcorp Genetics (formerly Invitae), Labcorp
Classification: Uncertain significance for Fanconi anemia. Last evaluated: 2024-12-30. Review status: criteria provided, single submitter. Criteria: Invitae Variant Classification Sherloc (09022015). Collection method: clinical testing. Allele origin: germline.
Comment: This sequence change falls in intron 36 of the FANCA gene. It does not directly change the encoded amino acid sequence of the FANCA protein. This variant is present in population databases (rs560589931, gnomAD 0.01%). This variant has not been reported in the literature in individuals affected with FANCA-related conditions. Algorithms developed to predict the effect of sequence changes on RNA splicing suggest that this variant may disrupt the consensus splice site. In summary, the available evidence is currently insufficient to determine the role of this variant in disease. Therefore, it has been classified as a Variant of Uncertain Significance.

NM_000135.4(FANCA):c.3627-10T>A

Gene: FANCA (FA complementation group A; minus strand). Cytogenetic location: 16q24.3.
Variant type: single nucleotide variant.
Coding change: c.3627-10T>A on transcript NM_000135.4 (MANE Select); 10 bases into the intron before coding-DNA position 3627, T replaced by A.
Molecular consequence: intron variant.
Genome position (GRCh38, 1-based): chr16:89,742,948, A>T on the plus strand (T>A on the coding strand, the complement: FANCA is on the minus strand). VCF-style: chr16-89742948-A-T. GRCh37 (hg19) VCF-style: chr16-89809356-A-T.
Other names: c.3627-10T>A (NM_001286167.3).
Identifiers: ClinVar variation 3707175 (VCV003707175.2).